The following is an entry in ClinVar:

ClinVar aggregate classification (germline): Uncertain significance. Review status: criteria provided, multiple submitters, no conflicts (2 of 4 stars). 6 submissions from 6 submitters: Uncertain significance (6). Last evaluated 2026-03-10.

Conditions:
Inborn genetic diseases. Identifiers: MedGen C0950123, MeSH D030342.
Adams-Oliver syndrome 2 (AOS2). Identifiers: Orphanet 974, MedGen C3280182, MONDO:0013635, OMIM 614219.

Allele frequency attached by ClinVar (database versions not stated): ESP Exome Variant Server 0.00016; gnomAD 0.00006; gnomAD exomes 0.00006 and 0.00012; ExAC 0.00013.
gnomAD v4.1: 99 of 1,613,760 alleles (0.0061%); highest among the groups gnomAD compares: Admixed American, 0.017%; no homozygotes.

Submissions (6):

Ambry Genetics
Classification: Uncertain significance for Inborn genetic diseases. Last evaluated: 2026-03-10. Review status: criteria provided, single submitter. Criteria: Ambry Variant Classification Scheme 2023. Collection method: clinical testing. Allele origin: germline.

Women's Health and Genetics/Laboratory Corporation of America, LabCorp
Classification: Uncertain significance. Last evaluated: 2026-02-18. Review status: criteria provided, single submitter. Criteria: LabCorp Variant Classification Summary - May 2015. Collection method: clinical testing. Allele origin: germline.
Comment: Variant summary: DOCK6 c.4198G>A (p.Val1400Met) results in a conservative amino acid change in the encoded protein sequence. Algorithms developed to predict the effect of missense changes on protein structure and function are either unavailable or do not agree on the potential impact of this missense change. The variant allele was found at a frequency of 0.00012 in 249196 control chromosomes. This frequency is not significantly higher than estimated for disease-causing variants in DOCK6, allowing no conclusion about variant significance. To our knowledge, no occurrence of c.4198G>A in individuals affected with DOCK6-related conditions and no experimental evidence demonstrating its impact on protein function have been reported. ClinVar contains an entry for this variant (Variation ID: 1414519). Based on the evidence outlined above, the variant was classified as uncertain significance.

Labcorp Genetics (formerly Invitae), Labcorp
Classification: Uncertain significance. Last evaluated: 2025-12-16. Review status: criteria provided, single submitter. Criteria: Invitae Variant Classification Sherloc (09022015). Collection method: clinical testing. Allele origin: germline.
Comment: This sequence change replaces valine, which is neutral and non-polar, with methionine, which is neutral and non-polar, at codon 1400 of the DOCK6 protein (p.Val1400Met). This variant is present in population databases (rs201255040, gnomAD 0.03%). This variant has not been reported in the literature in individuals affected with DOCK6-related conditions. ClinVar contains an entry for this variant (Variation ID: 1414519). Invitae Evidence Modeling of protein sequence and biophysical properties (such as structural, functional, and spatial information, amino acid conservation, physicochemical variation, residue mobility, and thermodynamic stability) indicates that this missense variant is not expected to disrupt DOCK6 protein function with a negative predictive value of 80%. In summary, the available evidence is currently insufficient to determine the role of this variant in disease. Therefore, it has been classified as a Variant of Uncertain Significance.

GeneDx
Classification: Uncertain significance. Last evaluated: 2024-09-10. Review status: criteria provided, single submitter. Criteria: GeneDx Variant Classification Process June 2021. Collection method: clinical testing. Allele origin: germline. Affected: yes.
Comment: In silico analysis supports that this missense variant has a deleterious effect on protein structure/function; Has not been previously published as pathogenic or benign to our knowledge

Fulgent Genetics
Classification: Uncertain significance for Adams-Oliver syndrome 2. Last evaluated: 2022-04-04. Review status: criteria provided, single submitter. Criteria: ACMG Guidelines, 2015. Collection method: clinical testing. Allele origin: unknown.

Breakthrough Genomics
Classification: Uncertain significance. Review status: criteria provided, single submitter. Criteria: ACMG Guidelines, 2015. Collection method: not provided. Allele origin: germline. Inheritance: Autosomal recessive inheritance. Affected: yes.

NM_020812.4(DOCK6):c.4198G>A (p.Val1400Met)

Genes: DOCK6 (dedicator of cytokinesis 6; minus strand), DOCK6-AS1 (DOCK6 antisense RNA 1; plus strand). Cytogenetic location: 19p13.2.
Variant type: single nucleotide variant.
Coding change: c.4198G>A on transcript NM_020812.4 (MANE Select); coding-DNA position 4198, G replaced by A.
Protein change: p.Val1400Met; replaces valine 1400 with methionine.
Molecular consequence: missense variant.
Genome position (GRCh38, 1-based): chr19:11,214,558, C>T on the plus strand (G>A on the coding strand, the complement: DOCK6 is on the minus strand). VCF-style: chr19-11214558-C-T. GRCh37 (hg19) VCF-style: chr19-11325234-C-T.
Other names: c.4303G>A, p.Val1435Met (NM_001367830.1); c.4198G>A (NM_020812.2, NM_020812.3); short protein forms V1435M, V1400M.
Identifiers: ClinVar variation 1414519 (VCV001414519.13), dbSNP rs201255040, ClinGen allele CA9206952.